The following is an entry in ClinVar:

NM_001199397.3(NEK1):c.598A>T (p.Lys200Ter)

Gene: NEK1 (NIMA related kinase 1; minus strand). Cytogenetic location: 4q33.
Variant type: single nucleotide variant.
Coding change: c.598A>T on transcript NM_001199397.3 (MANE Select); coding-DNA position 598, A replaced by T.
Protein change: p.Lys200Ter; replaces lysine 200 with a stop codon.
Molecular consequence: nonsense. On other transcripts: 5 prime UTR variant (2), non-coding transcript variant (1).
Genome position (GRCh38, 1-based): chr4:169,587,567, T>A on the plus strand (A>T on the coding strand, the complement: NEK1 is on the minus strand). VCF-style: chr4-169587567-T-A. GRCh37 (hg19) VCF-style: chr4-170508718-T-A.
Other names: c.598A>T, p.Lys200Ter (NM_001199398.3, NM_001199399.3, NM_001199400.3 and 11 more transcripts); c.-24A>T (NM_001440624.1, NM_001440625.1); short protein forms K200*.
Identifiers: ClinVar variation 4849318 (VCV004849318.1).

ClinVar aggregate classification (germline): Likely pathogenic (1 of 4 stars; one submission).

Conditions:
Mohr syndrome (OFD2). Also called: OFDS II; ORAL-FACIAL-DIGITAL SYNDROME, TYPE II; OROFACIODIGITAL SYNDROME II. Identifiers: Orphanet 2751, MedGen C0026363, MONDO:0009642, OMIM 252100.
Short-rib thoracic dysplasia 6 with or without polydactyly (SRTD6). Also called: POLYDACTYLY WITH NEONATAL CHONDRODYSTROPHY, TYPE II; Majewski Syndrome; SHORT RIB-POLYDACTYLY SYNDROME, TYPE IIA; SHORT-RIB THORACIC DYSPLASIA 6 WITH POLYDACTYLY; SHORT-RIB THORACIC DYSPLASIA 6 WITHOUT POLYDACTYLY. Identifiers: MedGen C0024507, MONDO:0009894, OMIM 263520.

Submission:

First Genomix Gene Laboratory, Genetic Diagnostics Department
Classification: Likely pathogenic for Mohr syndrome; Short-rib thoracic dysplasia 6 with or without polydactyly. Last evaluated: 2025-07-25. Review status: criteria provided, single submitter. Criteria: ACMG Guidelines, 2015. Collection method: clinical testing. Allele origin: germline. Inheritance: Autosomal recessive inheritance. Affected: no. Observed: 1 variant allele.